The following is an entry in ClinVar:

NM_004655.4(AXIN2):c.1444C>T (p.Pro482Ser)

Gene: AXIN2 (axin 2; minus strand). Cytogenetic location: 17q24.1.
Variant type: single nucleotide variant.
Coding change: c.1444C>T on transcript NM_004655.4 (MANE Select); coding-DNA position 1444, C replaced by T.
Protein change: p.Pro482Ser; replaces proline 482 with serine.
Molecular consequence: missense variant.
Genome position (GRCh38, 1-based): chr17:65,537,592, G>A on the plus strand (C>T on the coding strand, the complement: AXIN2 is on the minus strand). VCF-style: chr17-65537592-G-A. GRCh37 (hg19) VCF-style: chr17-63533710-G-A.
Other names: c.1444C>T, p.Pro482Ser (NM_001363813.1); short protein forms P482S.
Identifiers: ClinVar variation 2597874 (VCV002597874.6), dbSNP rs2043953370, ClinGen allele CA400677484.
Genomic context (GRCh38, chr17:65,537,592, plus strand): 5'-CCCCGAGGAGGGGGCAGGCGCCCGGCGAGGCGGCCGCGGGAGGCAGCTTGCCACCGGGCG[G>A]GAGCAGGGAGTGGTACTGCGAATGGTGGTGGTGGTGGTGGTCCGGGGAGCGGGAGCGGGG-3'
Protein context (NP_004646.3, residues 472-492): HHHSQYHSLL[Pro482Ser]PGGKLPPAAA

ClinVar aggregate classification (germline): Conflicting classifications of pathogenicity. Review status: criteria provided, conflicting classifications (1 of 4 stars). 2 submissions from 2 submitters: Uncertain significance (1); Likely benign (1). Last evaluated 2025-10-07.

Conditions:
Hereditary cancer-predisposing syndrome. Also called: Tumor predisposition; Hereditary Cancer Syndrome; Hereditary neoplastic syndrome; Neoplastic Syndromes, Hereditary. Identifiers: Orphanet 140162, MedGen C0027672, MeSH D009386, MONDO:0015356.
Oligodontia-cancer predisposition syndrome. Also called: TOOTH AGENESIS-COLORECTAL CANCER SYNDROME. Identifiers: Orphanet 300576, MedGen C1837750, MONDO:0012075, OMIM 608615. Disease mechanism: loss of function.

Allele frequency attached by ClinVar (database versions not stated): gnomAD 0.00001.

Submissions (2):

Ambry Genetics
Classification: Likely benign for Hereditary cancer-predisposing syndrome. Last evaluated: 2025-10-07. Review status: criteria provided, single submitter. Criteria: Ambry Variant Classification Scheme 2023. Collection method: clinical testing. Allele origin: germline.

Labcorp Genetics (formerly Invitae), Labcorp
Classification: Uncertain significance for Oligodontia-cancer predisposition syndrome. Last evaluated: 2023-02-03. Review status: criteria provided, single submitter. Criteria: Invitae Variant Classification Sherloc (09022015). Collection method: clinical testing. Allele origin: germline.
Comment: Algorithms developed to predict the effect of missense changes on protein structure and function (SIFT, PolyPhen-2, Align-GVGD) all suggest that this variant is likely to be tolerated. In summary, the available evidence is currently insufficient to determine the role of this variant in disease. Therefore, it has been classified as a Variant of Uncertain Significance. This variant has not been reported in the literature in individuals affected with AXIN2-related conditions. This variant is not present in population databases (gnomAD no frequency). This sequence change replaces proline, which is neutral and non-polar, with serine, which is neutral and polar, at codon 482 of the AXIN2 protein (p.Pro482Ser).